The following is an entry in ClinVar:

ClinVar aggregate classification (germline): Pathogenic. Review status: reviewed by expert panel (3 of 4 stars). 26 submissions from 26 submitters: Pathogenic (1). 25 of the submissions do not count toward it. Last evaluated 2016-09-08.

Conditions:
BRCA2-related cancer predisposition. Identifiers: MedGen CN377758, MONDO:0700269.
BRCA2-related disorder. Also called: BRCA2-related condition; BRCA2-related disorders. Identifiers: MedGen CN239275.
Hereditary cancer-predisposing syndrome. Also called: Hereditary Cancer Syndrome; Hereditary neoplastic syndrome; Neoplastic Syndromes, Hereditary; Tumor predisposition. Identifiers: Orphanet 140162, MedGen C0027672, MeSH D009386, MONDO:0015356.
Breast and/or ovarian cancer. Identifiers: MedGen CN221562.
Hereditary breast ovarian cancer syndrome. Also called: Hereditary breast and ovarian cancer syndrome (HBOC); Breast and ovarian cancer; BRCA1- and BRCA2-Associated Hereditary Breast and Ovarian Cancer; Hereditary breast and/or ovarian cancer syndrome; Hereditary breast and ovarian cancer syndrome; Hereditary breast and ovarian cancer. Identifiers: Orphanet 145, MedGen C0677776, MeSH D061325, MONDO:0003582. Disease mechanism: loss of function.
Breast-ovarian cancer, familial, susceptibility to, 2 (BROVCA2). Also called: BRCA2 Hereditary Breast and Ovarian Cancer. Identifiers: Orphanet 145, MedGen C2675520, MONDO:0012933, OMIM 612555. Disease mechanism: loss of function.
Familial cancer of breast. Also called: BREAST CANCER, FAMILIAL; Hereditary breast cancer; hereditary breast carcinoma. Identifiers: Orphanet 227535, MedGen C0346153, MONDO:0016419, OMIM 114480. Disease mechanism: loss of function.

Allele frequency attached by ClinVar (database versions not stated): gnomAD 0.00001; gnomAD exomes below 0.00001; TOPMed below 0.00001.

Submissions 1 to 9 of 26:

Evidence-based Network for the Interpretation of Germline Mutant Alleles (ENIGMA)
Classification: Pathogenic for Breast-ovarian cancer, familial, susceptibility to, 2. Last evaluated: 2016-09-08. Review status: reviewed by expert panel. Criteria: ENIGMA BRCA1/2 Classification Criteria (2015). Collection method: curation. Allele origin: germline.
Comment: Variant allele predicted to encode a truncated non-functional protein.

Labcorp Genetics (formerly Invitae), Labcorp
Classification: Pathogenic for Hereditary breast ovarian cancer syndrome. Last evaluated: 2025-11-23. Review status: criteria provided, single submitter. Criteria: Invitae Variant Classification Sherloc (09022015). Collection method: clinical testing. Allele origin: germline. Not counted in ClinVar's aggregate classification.
Comment: This sequence change creates a premature translational stop signal (p.Tyr2215Serfs*13) in the BRCA2 gene. It is expected to result in an absent or disrupted protein product. Loss-of-function variants in BRCA2 are known to be pathogenic (PMID: 20104584). This variant is present in population databases (rs80359616, gnomAD 0.0009%). This premature translational stop signal has been observed in individual(s) with breast and/or ovarian cancer (PMID: 9150172, 16683254, 21120943, 21324516, 22144684). This variant is also known as 6872del4 or 6872delACTC. ClinVar contains an entry for this variant (Variation ID: 38060). For these reasons, this variant has been classified as Pathogenic.

Color Diagnostics, LLC DBA Color Health
Classification: Pathogenic for Hereditary cancer-predisposing syndrome. Last evaluated: 2025-10-06. Review status: criteria provided, single submitter. Criteria: ACMG Guidelines, 2015. Collection method: clinical testing. Allele origin: germline. Not counted in ClinVar's aggregate classification.
Comment: This variant deletes 4 nucleotides in exon 11 of the BRCA2 gene, creating a frameshift and premature translation stop signal. This variant is expected to result in an absent or non-functional protein product. This variant is also known as 6872del4 in the literature. This variant has been reported in at least five individuals affected with breast, ovarian cancer, or pancreatic cancer and over 30 suspected breast and ovarian cancer families (PMID: 9150172, 11179017, 11179017, 11597388, 16683254, 18284688, 21324516, 29084914, 29446198, 29625052, 29922827). Multifactorial analysis on clinical data has reached a combined likelihood ratio (LR) of 1.437 from published LR for 5 carriers (PMID: 31853058). This variant has been identified in 1/249524 chromosomes in the general population by the Genome Aggregation Database (gnomAD). Loss of BRCA2 function is a known mechanism of disease. Based on the available evidence, this variant is classified as Pathogenic.

Quest Diagnostics Nichols Institute San Juan Capistrano
Classification: Pathogenic. Last evaluated: 2025-06-05. Review status: criteria provided, single submitter. Criteria: Quest Diagnostics criteria. Collection method: clinical testing. Allele origin: unknown. Not counted in ClinVar's aggregate classification.
Comment: The BRCA2 c.6644_6647del (p.Tyr2215Serfs*13) variant alters the translational reading frame of the BRCA2 mRNA and causes the premature termination of BRCA2 protein synthesis. This variant has been reported in the published literature in individuals with breast cancer (PMID: 18284688 (2008)), ovarian cancer (PMID: 21324516 (2011), 28888541 (2017), 29084914 (2018), pancreatic cancer (PMID: 29922827 (2018), 29625052 (2018), 33939675 (2021)), and endometrial cancer (PMID: 31492746 (2019)). The frequency of this variant in the general population (Genome Aggregation Database) is consistent with pathogenicity. Based on the available information, this variant is classified as pathogenic.

Ambry Genetics
Classification: Pathogenic for Hereditary cancer-predisposing syndrome. Last evaluated: 2024-04-02. Review status: criteria provided, single submitter. Criteria: Ambry Variant Classification Scheme 2023. Collection method: clinical testing. Allele origin: germline. Not counted in ClinVar's aggregate classification.
Comment: The c.6644_6647delACTC pathogenic mutation, located in coding exon 10 of the BRCA2 gene, results from a deletion of 4 nucleotides at nucleotide positions 6644 to 6647, causing a translational frameshift with a predicted alternate stop codon (p.Y2215Sfs*13). This mutation has been reported in numerous individuals diagnosed with hereditary breast and ovarian cancer (HBOC) syndrome (Serova-Sinilnikova OM et al. Am. J. Hum. Genet., 1997 May;60:1236-9; Verhoog LC et al. J. Clin. Oncol., 1999 Nov;17:3396-402; Risch HA et al. Am J Hum Genet, 2001 Mar;68:700-10; van der Hout AH et al. Hum Mutat, 2006 Jul;27:654-66; Lewis CM et al. Breast Cancer Res Treat, 2006 Sep;99:103-15; Coulet F et al. Genet Test Mol Biomarkers, 2010 Oct;14:677-90; Zhang S et al. Gynecol Oncol, 2011 May;121:353-7; Caux-Moncoutier V et al. Hum Mutat, 2011 Mar;32:325-34; Caputo S et al. Nucleic Acids Res, 2012 Jan;40:D992-1002; Lecarpentier J et al. Breast Cancer Res, 2012 Jul;14:R99; Labidi-Galy SI et al. Clin Cancer Res, 2018 01;24:326-333). This mutation has also been reported in multiple individuals with pancreatic cancer (Huang KL et al. Cell, 2018 04;173:355-370.e14; Hu C et al. JAMA, 2018 06;319:2401-2409). Of note, this alteration is also designated as 6872del4 in published literature. In addition to the clinical data presented in the literature, this alteration is expected to result in loss of function by premature protein truncation or nonsense-mediated mRNA decay. As such, this alteration is interpreted as a disease-causing mutation.

Baylor Genetics
Classification: Pathogenic for Familial cancer of breast. Last evaluated: 2024-02-16. Review status: criteria provided, single submitter. Criteria: ACMG Guidelines, 2015. Collection method: clinical testing. Allele origin: unknown. Not counted in ClinVar's aggregate classification.

All of Us Research Program, National Institutes of Health
Classification: Pathogenic for Breast-ovarian cancer, familial, susceptibility to, 2. Last evaluated: 2023-12-13. Review status: criteria provided, single submitter. Criteria: ACMG Guidelines, 2015. Collection method: clinical testing. Allele origin: germline. Inheritance: Autosomal dominant inheritance. Observed: 2 variant alleles, 2 heterozygotes. Not counted in ClinVar's aggregate classification.
Comment: This variant deletes 4 nucleotides in exon 11 of the BRCA2 gene, creating a frameshift and premature translation stop signal. This variant is expected to result in an absent or non-functional protein product. This variant is also known as 6872del4 in the literature. This variant has been reported in individuals with a personal and/or family history of breast, ovarian cancer, or pancreatic cancer (PMID: 9150172, 11179017, 11179017, 11597388, 16683254, 18284688, 21324516, 29084914, 29446198, 29625052, 29922827). This variant has been identified in 1/249524 chromosomes in the general population by the Genome Aggregation Database (gnomAD). Loss of BRCA2 function is a known mechanism of disease. Based on the available evidence, this variant is classified as Pathogenic.

This study involves interpretation of variants in research participants for the purpose of population health screening. Participant phenotype was not available at the time of variant classification. Additional details can be found in publication PMID: 35346344, PMCID: PMC8962531

Department of Pathology and Laboratory Medicine, Sinai Health System
Classification: Pathogenic for BRCA2-related cancer predisposition. Last evaluated: 2021-08-10. Review status: criteria provided, single submitter. Criteria: ACMG Guidelines, 2015. Collection method: clinical testing. Allele origin: germline. Affected: no. Not counted in ClinVar's aggregate classification.

Sema4
Classification: Pathogenic for Hereditary cancer-predisposing syndrome. Last evaluated: 2021-06-16. Review status: criteria provided, single submitter. Criteria: Sema4 Curation Guidelines. Collection method: curation. Allele origin: germline. Not counted in ClinVar's aggregate classification.
Comment: The BRCA2 c.6644_6647delACTC (p.Y2215SfsX13) variant has been reported in heterozygosity in multiple individuals with breast, ovarian, or pancreatic cancer (PMID: 9150172, 21324516, 29625052, 29446198, among others). It is also known as 6872del4 in the literature. This variant is a well-established pathogenic variant associated with hereditary breast and ovarian cancer (PMID: 29446198 ). This variant causes a frameshift at amino acid 2215 that results in premature termination 13 amino acids downstream. At this location, this is predicted to cause nonsense-mediated decay and result in an absent protein (loss of function). Loss of function variants in BRCA1 or BRCA2 are known to be pathogenic (PMID: 29446198). The variant was observed in 1/113166 chromosomes in the European (non-Finnish) population according to the Genome Aggregation Database (PMID: 32461654) and has been reported in ClinVar (Variation ID: 38060). Based on the current evidence available, this variant is interpreted as pathogenic.

NM_000059.4(BRCA2):c.6644_6647del (p.Tyr2215fs)

Gene: BRCA2 (BRCA2 DNA repair associated; plus strand). Cytogenetic location: 13q13.1.
Variant type: Deletion.
Coding change: c.6644_6647del on transcript NM_000059.4 (MANE Select); coding-DNA positions 6644 to 6647, 4 bases deleted (ACTC; older notation c.6644_6647delACTC).
Protein change: p.Tyr2215fs; shifts the reading frame from tyrosine 2215.
Molecular consequence: frameshift variant.
Genome position (GRCh38, 1-based): chr13:32,340,999-32,341,002, ACTC deleted. VCF-style (leftmost placement, unchanged base first): chr13-32340998-TACTC-T. GRCh37 (hg19) VCF-style: chr13-32915135-TACTC-T.
Other names: 6872del4; c.6644_6647delACTC (NM_000059.3).
Identifiers: ClinVar variation 38060 (VCV000038060.55), dbSNP rs80359616, ClinGen allele CA024249.